The following is an entry in ClinVar:

ClinVar aggregate classification (germline): Likely benign. Review status: criteria provided, multiple submitters, no conflicts (2 of 4 stars). 3 submissions from 3 submitters: Likely benign (2). 1 of the submissions does not count toward it. Last evaluated 2024-08-29.

Conditions:
FREM2-related disorder. Also called: FREM2-related condition.

Allele frequency attached by ClinVar (database versions not stated): gnomAD exomes 0.00002; ExAC 0.00007; gnomAD 0.00013; TOPMed 0.00027; ESP Exome Variant Server 0.00038.
gnomAD v4.1: 46 of 1,614,066 alleles (0.0028%); highest among the groups gnomAD compares: African/African-American, 0.051%; no homozygotes.

Submissions (3):

Labcorp Genetics (formerly Invitae), Labcorp
Classification: Likely benign. Last evaluated: 2024-08-29. Review status: criteria provided, single submitter. Criteria: Invitae Variant Classification Sherloc (09022015). Collection method: clinical testing. Allele origin: germline.

Blueprint Genetics
Classification: Likely benign. Last evaluated: 2024-01-03. Review status: criteria provided, single submitter. Criteria: ACMG Guidelines, 2015. Collection method: clinical testing. Allele origin: germline.

PreventionGenetics, part of Exact Sciences
Classification: Likely benign for FREM2-related condition. Last evaluated: 2020-02-05. Review status: no assertion criteria provided. Collection method: clinical testing. Allele origin: germline. Not counted in ClinVar's aggregate classification.
Comment: This variant is classified as likely benign based on ACMG/AMP sequence variant interpretation guidelines (Richards et al. 2015 PMID: 25741868, with internal and published modifications).

NM_207361.6(FREM2):c.4584T>C (p.Asp1528=)

Gene: FREM2 (FRAS1 related extracellular matrix 2; plus strand). Cytogenetic location: 13q13.3.
Variant type: single nucleotide variant.
Coding change: c.4584T>C on transcript NM_207361.6 (MANE Select); coding-DNA position 4584, T replaced by C.
Protein change: p.Asp1528=; no amino-acid change (aspartic acid 1528 retained).
Molecular consequence: synonymous variant.
Genome position (GRCh38, 1-based): chr13:38,691,928, T>C. VCF-style: chr13-38691928-T-C. GRCh37 (hg19) VCF-style: chr13-39266065-T-C.
Other names: c.4584T>C (NM_207361.5).
Identifiers: ClinVar variation 2169398 (VCV002169398.7), dbSNP rs141457707, ClinGen allele CA6955029.